The following is an entry in ClinVar:

NM_000038.6(APC):c.7856A>T (p.Glu2619Val)

Gene: APC (APC regulator of Wnt signaling pathway; plus strand). Cytogenetic location: 5q22.2.
Variant type: single nucleotide variant.
Coding change: c.7856A>T on transcript NM_000038.6 (MANE Select); coding-DNA position 7856, A replaced by T.
Protein change: p.Glu2619Val; replaces glutamic acid 2619 with valine.
Molecular consequence: missense variant. On other transcripts: non-coding transcript variant (2).
Genome position (GRCh38, 1-based): chr5:112,843,450, A>T. VCF-style: chr5-112843450-A-T. GRCh37 (hg19) VCF-style: chr5-112179147-A-T.
Other names: c.7856A>T, p.Glu2619Val (NM_001127510.3, NM_001354895.2, NM_001407450.1); c.7802A>T, p.Glu2601Val (NM_001127511.3); c.7910A>T, p.Glu2637Val (NM_001354896.2, NM_001407447.1, NM_001407448.1 and 1 more transcripts); c.7886A>T, p.Glu2629Val (NM_001354897.2); c.7781A>T, p.Glu2594Val (NM_001354898.2); c.7772A>T, p.Glu2591Val (NM_001354899.2); c.7733A>T, p.Glu2578Val (NM_001354900.2); c.7679A>T, p.Glu2560Val (NM_001354901.2, NM_001407453.1); and 11 more; short protein forms E2235V, E2336V, E2459V, E2490V, E2493V, E2518V, E2528V, E2536V.
Identifiers: ClinVar variation 3894350 (VCV003894350.1).

ClinVar aggregate classification (germline): Uncertain significance (1 of 4 stars; one submission).

Conditions:
Hereditary cancer-predisposing syndrome. Also called: Neoplastic Syndromes, Hereditary; Tumor predisposition; Hereditary Cancer Syndrome; Hereditary neoplastic syndrome. Identifiers: Orphanet 140162, MedGen C0027672, MeSH D009386, MONDO:0015356.

Submission:

Color Diagnostics, LLC DBA Color Health
Classification: Uncertain significance for Hereditary cancer-predisposing syndrome. Last evaluated: 2024-02-12. Review status: criteria provided, single submitter. Criteria: ACMG Guidelines, 2015. Collection method: clinical testing. Allele origin: germline.
Comment: This missense variant replaces glutamic acid with valine at codon 2619 of the APC protein. Computational prediction suggests that this variant may not impact protein structure and function (internally defined REVEL score threshold <= 0.5, PMID: 27666373). To our knowledge, functional studies have not been reported for this variant. This variant has not been reported in individuals affected with APC-related disorders in the literature. This variant has not been identified in the general population by the Genome Aggregation Database (gnomAD). The available evidence is insufficient to determine the role of this variant in disease conclusively. Therefore, this variant is classified as a Variant of Uncertain Significance.